The following is an entry in ClinVar:

ClinVar aggregate classification (germline): Uncertain significance (1 of 4 stars; one submission).

Conditions:
Familial cancer of breast. Also called: hereditary breast carcinoma; BREAST CANCER, FAMILIAL; Hereditary breast cancer. Identifiers: Orphanet 227535, MedGen C0346153, MONDO:0016419, OMIM 114480. Disease mechanism: loss of function.

Submission:

Labcorp Genetics (formerly Invitae), Labcorp
Classification: Uncertain significance for Familial cancer of breast. Last evaluated: 2024-04-29. Review status: criteria provided, single submitter. Criteria: Invitae Variant Classification Sherloc (09022015). Collection method: clinical testing. Allele origin: germline.
Comment: This variant, c.3058_3069dup, results in the insertion of 4 amino acid(s) of the PALB2 protein (p.Gln1020_Gln1023dup), but otherwise preserves the integrity of the reading frame. This variant is not present in population databases (gnomAD no frequency). This variant has not been reported in the literature in individuals affected with PALB2-related conditions. ClinVar contains an entry for this variant (Variation ID: 653326). Experimental studies and prediction algorithms are not available or were not evaluated, and the functional significance of this variant is currently unknown. In summary, the available evidence is currently insufficient to determine the role of this variant in disease. Therefore, it has been classified as a Variant of Uncertain Significance.

NM_024675.4(PALB2):c.3058_3069dup (p.Gln1020_Gln1023dup)

Gene: PALB2 (partner and localizer of BRCA2; minus strand). Cytogenetic location: 16p12.2.
Variant type: Duplication.
Coding change: c.3058_3069dup on transcript NM_024675.4 (MANE Select); coding-DNA positions 3058 to 3069, 12 bases duplicated (CAAGGGATGCAA).
Protein change: p.Gln1020_Gln1023dup.
Molecular consequence: inframe insertion.
Genome position (GRCh38, 1-based): chr16:23,621,406-23,621,417, TTGCATCCCTTG duplicated on the plus strand (CAAGGGATGCAA on the coding strand, the reverse complement: PALB2 is on the minus strand). VCF-style (leftmost placement, unchanged base first): chr16-23621405-C-CTTGCATCCCTTG. GRCh37 (hg19) VCF-style: chr16-23632726-C-CTTGCATCCCTTG.
Identifiers: ClinVar variation 653326 (VCV000653326.9), dbSNP rs1597079690, ClinGen allele CA915949165.